The following is an entry in ClinVar:

ClinVar aggregate classification (germline): Uncertain significance (1 of 4 stars; one submission).

Conditions:
Alstrom syndrome (ALMS). Identifiers: Orphanet 64, MedGen C0268425, MONDO:0008763, OMIM 203800.

Allele frequency attached by ClinVar (database versions not stated): gnomAD exomes below 0.00001.
gnomAD v4.1: 2 of 1,614,088 alleles (0.00012%); highest among the groups gnomAD compares: Non-Finnish European, 0.00017%; no homozygotes.

Submission:

Labcorp Genetics (formerly Invitae), Labcorp
Classification: Uncertain significance for Alstrom syndrome. Last evaluated: 2021-12-02. Review status: criteria provided, single submitter. Criteria: Invitae Variant Classification Sherloc (09022015). Collection method: clinical testing. Allele origin: germline.
Comment: This sequence change replaces methionine, which is neutral and non-polar, with valine, which is neutral and non-polar, at codon 2943 of the ALMS1 protein (p.Met2943Val). This variant is not present in population databases (gnomAD no frequency). This variant has not been reported in the literature in individuals affected with ALMS1-related conditions. Experimental studies and prediction algorithms are not available or were not evaluated, and the functional significance of this variant is currently unknown. In summary, the available evidence is currently insufficient to determine the role of this variant in disease. Therefore, it has been classified as a Variant of Uncertain Significance.

NM_001378454.1(ALMS1):c.8824A>G (p.Met2942Val)

Gene: ALMS1 (ALMS1 centrosome and basal body associated protein; plus strand). Cytogenetic location: 2p13.1.
Variant type: single nucleotide variant.
Coding change: c.8824A>G on transcript NM_001378454.1 (MANE Select); coding-DNA position 8824, A replaced by G.
Protein change: p.Met2942Val; replaces methionine 2942 with valine.
Molecular consequence: missense variant.
Genome position (GRCh38, 1-based): chr2:73,490,783, A>G. VCF-style: chr2-73490783-A-G. GRCh37 (hg19) VCF-style: chr2-73717910-A-G.
Other names: c.8827A>G, p.Met2943Val (NM_015120.4); short protein forms M2942V, M2943V.
Identifiers: ClinVar variation 1497489 (VCV001497489.3), dbSNP rs2103893441, ClinGen allele CA347270744.